The following is an entry in ClinVar:

ClinVar aggregate classification (germline): Uncertain significance (1 of 4 stars; one submission).

Conditions:
Cardiovascular phenotype. Identifiers: MedGen CN230736.

Submission:

Ambry Genetics
Classification: Uncertain significance for Cardiovascular phenotype. Last evaluated: 2026-04-08. Review status: criteria provided, single submitter. Criteria: Ambry Variant Classification Scheme 2023. Collection method: clinical testing. Allele origin: germline.
Comment: The p.E135G variant (also known as c.404A>G), located in coding exon 4 of the SPRED1 gene, results from an A to G substitution at nucleotide position 404. The glutamic acid at codon 135 is replaced by glycine, an amino acid with similar properties. This amino acid position is conserved. In addition, this alteration is predicted to be tolerated by in silico analysis. Based on the available evidence, the clinical significance of this variant remains unclear.

NM_152594.3(SPRED1):c.404A>G (p.Glu135Gly)

Gene: SPRED1 (sprouty related EVH1 domain containing 1; plus strand). Cytogenetic location: 15q14.
Variant type: single nucleotide variant.
Coding change: c.404A>G on transcript NM_152594.3 (MANE Select); coding-DNA position 404, A replaced by G.
Protein change: p.Glu135Gly; replaces glutamic acid 135 with glycine.
Molecular consequence: missense variant.
Genome position (GRCh38, 1-based): chr15:38,324,790, A>G. VCF-style: chr15-38324790-A-G. GRCh37 (hg19) VCF-style: chr15-38616991-A-G.
Other names: short protein forms E135G.
Identifiers: ClinVar variation 4865020 (VCV004865020.1).